The following is an entry in ClinVar:

NM_001367561.1(DOCK7):c.5882T>G (p.Phe1961Cys)

Gene: DOCK7 (dedicator of cytokinesis 7; minus strand). Cytogenetic location: 1p31.3.
Variant type: single nucleotide variant.
Coding change: c.5882T>G on transcript NM_001367561.1 (MANE Select); coding-DNA position 5882, T replaced by G.
Protein change: p.Phe1961Cys; replaces phenylalanine 1961 with cysteine.
Molecular consequence: missense variant.
Genome position (GRCh38, 1-based): chr1:62,475,786, A>C on the plus strand (T>G on the coding strand, the complement: DOCK7 is on the minus strand). VCF-style: chr1-62475786-A-C. GRCh37 (hg19) VCF-style: chr1-62941457-A-C.
Other names: c.5849T>G, p.Phe1950Cys (NM_001271999.2); c.5762T>G, p.Phe1921Cys (NM_001272000.2); c.5756T>G, p.Phe1919Cys (NM_001272001.2); c.5855T>G, p.Phe1952Cys (NM_001330614.2); c.5789T>G, p.Phe1930Cys (NM_033407.4); short protein forms F1919C, F1930C, F1921C, F1950C, F1952C, F1961C.
Identifiers: ClinVar variation 1517899 (VCV001517899.6), dbSNP rs1038179089, ClinGen allele CA23748860.

ClinVar aggregate classification (germline): Uncertain significance (1 of 4 stars; one submission).

Conditions:
Developmental and epileptic encephalopathy, 23 (DEE23). Also called: Epileptic encephalopathy, early infantile, 23. Identifiers: Orphanet 411986, MedGen C4014492, MONDO:0014371, OMIM 615859.

Submission:

Labcorp Genetics (formerly Invitae), Labcorp
Classification: Uncertain significance for Developmental and epileptic encephalopathy, 23. Last evaluated: 2022-07-12. Review status: criteria provided, single submitter. Criteria: Invitae Variant Classification Sherloc (09022015). Collection method: clinical testing. Allele origin: germline.
Comment: In summary, the available evidence is currently insufficient to determine the role of this variant in disease. Therefore, it has been classified as a Variant of Uncertain Significance. Algorithms developed to predict the effect of missense changes on protein structure and function (SIFT, PolyPhen-2, Align-GVGD) all suggest that this variant is likely to be tolerated. This sequence change replaces phenylalanine, which is neutral and non-polar, with cysteine, which is neutral and slightly polar, at codon 1950 of the DOCK7 protein (p.Phe1950Cys). This variant is not present in population databases (gnomAD no frequency). This variant has not been reported in the literature in individuals affected with DOCK7-related conditions. ClinVar contains an entry for this variant (Variation ID: 1517899).